The following is an entry in ClinVar:

ClinVar aggregate classification (germline): Uncertain significance. Review status: criteria provided, multiple submitters, no conflicts (2 of 4 stars). 3 submissions from 3 submitters: Uncertain significance (3). Last evaluated 2026-06-24.

Conditions:
SH3TC2-related disorder. Also called: SH3TC2-related condition; SH3TC2-related disorders. Identifiers: MedGen CN239303.
Charcot-Marie-Tooth disease type 4. Also called: Charcot-Marie-Tooth disease, type IV; Charcot-Marie-Tooth, Type 4. Identifiers: Orphanet 64749, MedGen C4082197, MONDO:0018995.
Inborn genetic diseases. Identifiers: MedGen C0950123, MeSH D030342.

Allele frequency attached by ClinVar (database versions not stated): TOPMed 0.00001; gnomAD 0.00002.

Submissions (3):

PreventionGenetics, part of Exact Sciences
Classification: Uncertain significance for SH3TC2-related condition. Last evaluated: 2026-06-24. Review status: criteria provided, single submitter. Criteria: ACMG Guidelines, 2015. Collection method: clinical testing. Allele origin: germline.
Comment: The SH3TC2 c.1390G>A variant is predicted to result in the amino acid substitution p.Ala464Thr. To our knowledge, this variant has not been reported in the literature. This variant is reported in 0.013% of alleles in individuals of European (non-Finnish) descent in gnomAD. At this time, the clinical significance of this variant is uncertain due to the absence of conclusive functional and genetic evidence.

Ambry Genetics
Classification: Uncertain significance for Inborn genetic diseases. Last evaluated: 2024-08-27. Review status: criteria provided, single submitter. Criteria: Ambry Variant Classification Scheme 2023. Collection method: clinical testing. Allele origin: germline.

Labcorp Genetics (formerly Invitae), Labcorp
Classification: Uncertain significance for Charcot-Marie-Tooth disease type 4. Last evaluated: 2021-09-27. Review status: criteria provided, single submitter. Criteria: Invitae Variant Classification Sherloc (09022015). Collection method: clinical testing. Allele origin: germline.
Comment: In summary, the available evidence is currently insufficient to determine the role of this variant in disease. Therefore, it has been classified as a Variant of Uncertain Significance. Algorithms developed to predict the effect of missense changes on protein structure and function (SIFT, PolyPhen-2, Align-GVGD) all suggest that this variant is likely to be tolerated. This variant has not been reported in the literature in individuals affected with SH3TC2-related conditions. This variant is not present in population databases (ExAC no frequency). This sequence change replaces alanine with threonine at codon 464 of the SH3TC2 protein (p.Ala464Thr). The alanine residue is moderately conserved and there is a small physicochemical difference between alanine and threonine.

NM_024577.4(SH3TC2):c.1390G>A (p.Ala464Thr)

Gene: SH3TC2 (SH3 domain and tetratricopeptide repeats 2; minus strand). Cytogenetic location: 5q32.
Variant type: single nucleotide variant.
Coding change: c.1390G>A on transcript NM_024577.4 (MANE Select); coding-DNA position 1390, G replaced by A.
Protein change: p.Ala464Thr; replaces alanine 464 with threonine.
Molecular consequence: missense variant.
Genome position (GRCh38, 1-based): chr5:149,028,342, C>T on the plus strand (G>A on the coding strand, the complement: SH3TC2 is on the minus strand). VCF-style: chr5-149028342-C-T. GRCh37 (hg19) VCF-style: chr5-148407905-C-T.
Other names: c.1390G>A (NM_024577.3); short protein forms A464T.
Identifiers: ClinVar variation 1018978 (VCV001018978.6), dbSNP rs764054256, ClinGen allele CA128988460.
Genomic context (GRCh38, chr5:149,028,342, plus strand): 5'-TAAAGTGGTCAGCATAACCCTCATGATCCAGAAAAGCCAATATGGGGGCGAAGTTCTCAG[C>T]CTCCTCCTCCTGACCAGTGCTTAGGTCCATGAGCAGTTCCGGGTCATCAAGGTCATCAGG-3'
Protein context (NP_078853.2, residues 454-474): MDLSTGQEEE[Ala464Thr]ENFAPILAFL